The following is an entry in ClinVar:

ClinVar aggregate classification (germline): Uncertain significance (1 of 4 stars; one submission).

Submission:

Dasa
Classification: Uncertain significance. Last evaluated: 2025-08-01. Review status: criteria provided, single submitter. Criteria: DASA Assertion Criteria. Collection method: clinical testing. Allele origin: germline.
Comment: NM_006287.6(TFPI):c.788G>A (p.Cys263Tyr) is a missense variant that results in the substitution of cysteine with tyrosine. This variant is rare in population databases. Computational prediction algorithms are consistent with a deleterious effect. The currently available literature and clinical evidence are not sufficient to establish a definitive association between this variant and the reported condition. Therefore, this variant is classified as a variant of uncertain significance.

NM_006287.6(TFPI):c.788G>A (p.Cys263Tyr)

Genes: CALCRL-AS1 (CALCRL and TFPI antisense RNA 1; plus strand), TFPI (tissue factor pathway inhibitor; minus strand). Cytogenetic location: 2q32.1.
Variant type: single nucleotide variant.
Coding change: c.788G>A on transcript NM_006287.6 (MANE Select); coding-DNA position 788, G replaced by A.
Protein change: p.Cys263Tyr; replaces cysteine 263 with tyrosine.
Molecular consequence: missense variant.
Genome position (GRCh38, 1-based): chr2:187,467,773, C>T on the plus strand (G>A on the coding strand, the complement: TFPI is on the minus strand). VCF-style: chr2-187467773-C-T. GRCh37 (hg19) VCF-style: chr2-188332500-C-T.
Other names: c.788G>A, p.Cys263Tyr (NM_001329239.2, NM_001329240.2, NM_001329241.2); short protein forms C263Y.
Identifiers: ClinVar variation 4882064 (VCV004882064.2).